The following is an entry in ClinVar:

ClinVar aggregate classification (germline): Uncertain significance (1 of 4 stars; one submission).

Submission:

Labcorp Genetics (formerly Invitae), Labcorp
Classification: Uncertain significance. Last evaluated: 2025-02-19. Review status: criteria provided, single submitter. Criteria: Invitae Variant Classification Sherloc (09022015). Collection method: clinical testing. Allele origin: germline.
Comment: This sequence change replaces lysine, which is basic and polar, with arginine, which is basic and polar, at codon 333 of the ZIC1 protein (p.Lys333Arg). This variant is not present in population databases (gnomAD no frequency). This variant has not been reported in the literature in individuals affected with ZIC1-related conditions. Invitae Evidence Modeling of protein sequence and biophysical properties (such as structural, functional, and spatial information, amino acid conservation, physicochemical variation, residue mobility, and thermodynamic stability) indicates that this missense variant is not expected to disrupt ZIC1 protein function with a negative predictive value of 80%. In summary, the available evidence is currently insufficient to determine the role of this variant in disease. Therefore, it has been classified as a Variant of Uncertain Significance.

NM_003412.4(ZIC1):c.998A>G (p.Lys333Arg)

Gene: ZIC1 (Zic family zinc finger 1; plus strand). Cytogenetic location: 3q24.
Variant type: single nucleotide variant.
Coding change: c.998A>G on transcript NM_003412.4 (MANE Select); coding-DNA position 998, A replaced by G.
Protein change: p.Lys333Arg; replaces lysine 333 with arginine.
Molecular consequence: missense variant.
Genome position (GRCh38, 1-based): chr3:147,412,533, A>G. VCF-style: chr3-147412533-A-G. GRCh37 (hg19) VCF-style: chr3-147130320-A-G.
Other names: short protein forms K333R.
Identifiers: ClinVar variation 4772829 (VCV004772829.1).